The following is an entry in ClinVar:

NM_033100.4(CDHR1):c.62C>G (p.Ala21Gly)

Gene: CDHR1 (cadherin related family member 1; plus strand). Cytogenetic location: 10q23.1.
Variant type: single nucleotide variant.
Coding change: c.62C>G on transcript NM_033100.4 (MANE Select); coding-DNA position 62, C replaced by G.
Protein change: p.Ala21Gly; replaces alanine 21 with glycine.
Molecular consequence: missense variant.
Genome position (GRCh38, 1-based): chr10:84,195,500, C>G. VCF-style: chr10-84195500-C-G. GRCh37 (hg19) VCF-style: chr10-85955256-C-G.
Other names: c.62C>G, p.Ala21Gly (NM_001171971.3); short protein forms A21G.
Identifiers: ClinVar variation 3681697 (VCV003681697.2).

ClinVar aggregate classification (germline): Uncertain significance (1 of 4 stars; one submission).

gnomAD v4.1: 32 of 1,613,934 alleles (0.002%); highest among the groups gnomAD compares: Non-Finnish European, 0.0026%; no homozygotes.

Submission:

Labcorp Genetics (formerly Invitae), Labcorp
Classification: Uncertain significance. Last evaluated: 2024-04-02. Review status: criteria provided, single submitter. Criteria: Invitae Variant Classification Sherloc (09022015). Collection method: clinical testing. Allele origin: germline.
Comment: This sequence change replaces alanine, which is neutral and non-polar, with glycine, which is neutral and non-polar, at codon 21 of the CDHR1 protein (p.Ala21Gly). This variant is present in population databases (no rsID available, gnomAD 0.0009%). This variant has not been reported in the literature in individuals affected with CDHR1-related conditions. Advanced modeling of protein sequence and biophysical properties (such as structural, functional, and spatial information, amino acid conservation, physicochemical variation, residue mobility, and thermodynamic stability) performed at Invitae indicates that this missense variant is not expected to disrupt CDHR1 protein function with a negative predictive value of 95%. In summary, the available evidence is currently insufficient to determine the role of this variant in disease. Therefore, it has been classified as a Variant of Uncertain Significance.